The following is an entry in ClinVar:

NM_000489.6(ATRX):c.868T>G (p.Leu290Val)

Gene: ATRX (ATRX chromatin remodeler; minus strand). Cytogenetic location: Xq21.1.
Variant type: single nucleotide variant.
Coding change: c.868T>G on transcript NM_000489.6 (MANE Select); coding-DNA position 868, T replaced by G.
Protein change: p.Leu290Val; replaces leucine 290 with valine.
Molecular consequence: missense variant.
Genome position (GRCh38, 1-based): chrX:77,684,388, A>C on the plus strand (T>G on the coding strand, the complement: ATRX is on the minus strand). VCF-style: chrX-77684388-A-C. GRCh37 (hg19) VCF-style: chrX-76939880-A-C.
Other names: c.754T>G, p.Leu252Val (NM_138270.5); short protein forms L252V, L290V.
Identifiers: ClinVar variation 3361640 (VCV003361640.1).

ClinVar aggregate classification (germline): Uncertain significance (1 of 4 stars; one submission).

Submission:

GeneDx
Classification: Uncertain significance. Last evaluated: 2023-07-30. Review status: criteria provided, single submitter. Criteria: GeneDx Variant Classification Process June 2021. Collection method: clinical testing. Allele origin: germline. Affected: yes.
Comment: Has not been previously published as pathogenic or benign to our knowledge; Not observed at significant frequency in large population cohorts (gnomAD); In silico analysis supports that this missense variant does not alter protein structure/function